The following is an entry in ClinVar:

NM_033641.4(COL4A6):c.1072+4C>A

Gene: COL4A6 (collagen type IV alpha 6 chain; minus strand). Cytogenetic location: Xq22.3.
Variant type: single nucleotide variant.
Coding change: c.1072+4C>A on transcript NM_033641.4 (MANE Select); 4 bases into the intron after coding-DNA position 1072, C replaced by A.
Molecular consequence: intron variant.
Genome position (GRCh38, 1-based): chrX:108,193,624, G>T on the plus strand (C>A on the coding strand, the complement: COL4A6 is on the minus strand). VCF-style: chrX-108193624-G-T. GRCh37 (hg19) VCF-style: chrX-107436854-G-T.
Other names: c.1075+4C>A (NM_001847.4); c.1072+4C>A (NM_001287760.2, NM_001287759.2, NM_001287758.2).
Identifiers: ClinVar variation 2877360 (VCV002877360.3), dbSNP rs1354910321, ClinGen allele CA643636146.

ClinVar aggregate classification (germline): Uncertain significance (1 of 4 stars; one submission).

Allele frequency attached by ClinVar (database versions not stated): gnomAD exomes below 0.00001; TOPMed 0.00001.
gnomAD v4.1: 1 of 1,196,953 alleles (0.000084%); highest among the groups gnomAD compares: Admixed American, 0.0022%; no homozygotes.

Submission:

Labcorp Genetics (formerly Invitae), Labcorp
Classification: Uncertain significance. Last evaluated: 2024-07-30. Review status: criteria provided, single submitter. Criteria: Invitae Variant Classification Sherloc (09022015). Collection method: clinical testing. Allele origin: germline.
Comment: This sequence change falls in intron 17 of the COL4A6 gene. It does not directly change the encoded amino acid sequence of the COL4A6 protein. It affects a nucleotide within the consensus splice site. This variant is present in population databases (no rsID available, gnomAD 0.004%). This variant has not been reported in the literature in individuals affected with COL4A6-related conditions. Variants that disrupt the consensus splice site are a relatively common cause of aberrant splicing (PMID: 17576681, 9536098). Algorithms developed to predict the effect of sequence changes on RNA splicing suggest that this variant is not likely to affect RNA splicing. In summary, the available evidence is currently insufficient to determine the role of this variant in disease. Therefore, it has been classified as a Variant of Uncertain Significance.

Literature cited by the submitters: PubMed 17576681; PubMed 9536098.